The following is an entry in ClinVar:

ClinVar aggregate classification (germline): Uncertain significance. Review status: criteria provided, multiple submitters, no conflicts (2 of 4 stars). 2 submissions from 2 submitters: Uncertain significance (2). Last evaluated 2022-08-15.

Conditions:
LAMA2-related muscular dystrophy (LAMA2-RD). Also called: Laminin alpha 2-related dystrophy. Identifiers: MedGen C5679788, MONDO:0100228.

Submissions (2):

Labcorp Genetics (formerly Invitae), Labcorp
Classification: Uncertain significance for LAMA2-related muscular dystrophy. Last evaluated: 2022-08-15. Review status: criteria provided, single submitter. Criteria: Invitae Variant Classification Sherloc (09022015). Collection method: clinical testing. Allele origin: germline.
Comment: This sequence change replaces aspartic acid, which is acidic and polar, with asparagine, which is neutral and polar, at codon 262 of the LAMA2 protein (p.Asp262Asn). This variant is not present in population databases (gnomAD no frequency). This variant has not been reported in the literature in individuals affected with LAMA2-related conditions. ClinVar contains an entry for this variant (Variation ID: 1353338). Advanced modeling of protein sequence and biophysical properties (such as structural, functional, and spatial information, amino acid conservation, physicochemical variation, residue mobility, and thermodynamic stability) performed at Invitae indicates that this missense variant is not expected to disrupt LAMA2 protein function. In summary, the available evidence is currently insufficient to determine the role of this variant in disease. Therefore, it has been classified as a Variant of Uncertain Significance.

Breakthrough Genomics
Classification: Uncertain significance. Review status: criteria provided, single submitter. Criteria: ACMG Guidelines, 2015. Collection method: not provided. Allele origin: germline. Inheritance: Autosomal recessive inheritance. Affected: yes.

NM_000426.4(LAMA2):c.784G>A (p.Asp262Asn)

Gene: LAMA2 (laminin subunit alpha 2; plus strand). Cytogenetic location: 6q22.33.
Variant type: single nucleotide variant.
Coding change: c.784G>A on transcript NM_000426.4 (MANE Select); coding-DNA position 784, G replaced by A.
Protein change: p.Asp262Asn; replaces aspartic acid 262 with asparagine.
Molecular consequence: missense variant.
Genome position (GRCh38, 1-based): chr6:129,144,045, G>A. VCF-style: chr6-129144045-G-A. GRCh37 (hg19) VCF-style: chr6-129465190-G-A.
Other names: c.784G>A, p.Asp262Asn (NM_001079823.2); short protein forms D262N.
Identifiers: ClinVar variation 1353338 (VCV001353338.8), dbSNP rs2114958971, ClinGen allele CA365606173.
Genomic context (GRCh38, chr6:129,144,045, plus strand): 5'-CGCCTGAGATTTCAGAGGATCCGCACACTGAATGCTGACTTGATGATGTTTGCTCACAAA[G>A]ACCCAAGAGAAATTGACCCCATTGTCACCAGAAGAGTAAGTTATGATGAATCATATTAGA-3'
Protein context (NP_000417.3, residues 252-272): NADLMMFAHK[Asp262Asn]PREIDPIVTR